The following is an entry in ClinVar:

ClinVar aggregate classification (germline): Pathogenic (1 of 4 stars; one submission).

Submission:

Labcorp Genetics (formerly Invitae), Labcorp
Classification: Pathogenic. Last evaluated: 2020-10-13. Review status: criteria provided, single submitter. Criteria: Invitae Variant Classification Sherloc (09022015). Collection method: clinical testing. Allele origin: germline.
Comment: For these reasons, this variant has been classified as Pathogenic. Loss-of-function variants in CACNA1F are known to be pathogenic (PMID: 9662399, 11281458, 17525176, 22194652, 24124559, 26992781). This variant has not been reported in the literature in individuals with CACNA1F-related conditions. This variant is not present in population databases (ExAC no frequency). This sequence change creates a premature translational stop signal (p.Gln856*) in the CACNA1F gene. It is expected to result in an absent or disrupted protein product.

Literature cited by the submitters: PubMed 9662399; PubMed 11281458; PubMed 17525176; PubMed 22194652; PubMed 24124559; PubMed 26992781.

NM_001256789.3(CACNA1F):c.2533C>T (p.Gln845Ter)

Gene: CACNA1F (calcium voltage-gated channel subunit alpha1 F; minus strand). Cytogenetic location: Xp11.23.
Variant type: single nucleotide variant.
Coding change: c.2533C>T on transcript NM_001256789.3 (MANE Select); coding-DNA position 2533, C replaced by T.
Protein change: p.Gln845Ter; replaces glutamine 845 with a stop codon.
Molecular consequence: nonsense.
Genome position (GRCh38, 1-based): chrX:49,219,644, G>A on the plus strand (C>T on the coding strand, the complement: CACNA1F is on the minus strand). VCF-style: chrX-49219644-G-A. GRCh37 (hg19) VCF-style: chrX-49076103-G-A.
Other names: c.2371C>T, p.Gln791Ter (NM_001256790.3); c.2566C>T, p.Gln856Ter (NM_005183.4); short protein forms Q791*, Q845*, Q856*.
Identifiers: ClinVar variation 1074782 (VCV001074782.7), dbSNP rs2147910114, ClinGen allele CA412965474.